The following is an entry in ClinVar:

ClinVar aggregate classification (germline): Uncertain significance (1 of 4 stars; one submission).

Allele frequency attached by ClinVar (database versions not stated): gnomAD exomes below 0.00001; TOPMed below 0.00001; gnomAD 0.00001.
gnomAD v4.1: 4 of 1,614,148 alleles (0.00025%); highest among the groups gnomAD compares: African/African-American, 0.0027%; no homozygotes.

Submission:

Labcorp Genetics (formerly Invitae), Labcorp
Classification: Uncertain significance. Last evaluated: 2024-02-17. Review status: criteria provided, single submitter. Criteria: Invitae Variant Classification Sherloc (09022015). Collection method: clinical testing. Allele origin: germline.
Comment: This sequence change replaces histidine, which is basic and polar, with arginine, which is basic and polar, at codon 121 of the MMP14 protein (p.His121Arg). This variant is present in population databases (no rsID available, gnomAD 0.008%). This variant has not been reported in the literature in individuals affected with MMP14-related conditions. ClinVar contains an entry for this variant (Variation ID: 2090398). Advanced modeling of protein sequence and biophysical properties (such as structural, functional, and spatial information, amino acid conservation, physicochemical variation, residue mobility, and thermodynamic stability) performed at Invitae indicates that this missense variant is not expected to disrupt MMP14 protein function with a negative predictive value of 80%. In summary, the available evidence is currently insufficient to determine the role of this variant in disease. Therefore, it has been classified as a Variant of Uncertain Significance.

NM_004995.4(MMP14):c.362A>G (p.His121Arg)

Gene: MMP14 (matrix metallopeptidase 14; plus strand). Cytogenetic location: 14q11.2.
Variant type: single nucleotide variant.
Coding change: c.362A>G on transcript NM_004995.4 (MANE Select); coding-DNA position 362, A replaced by G.
Protein change: p.His121Arg; replaces histidine 121 with arginine.
Molecular consequence: missense variant.
Genome position (GRCh38, 1-based): chr14:22,842,017, A>G. VCF-style: chr14-22842017-A-G. GRCh37 (hg19) VCF-style: chr14-23311226-A-G.
Other names: short protein forms H121R.
Identifiers: ClinVar variation 2090398 (VCV002090398.4), dbSNP rs1254849829, ClinGen allele CA388930071.
Genomic context (GRCh38, chr14:22,842,017, plus strand): 5'-CTGAGATCAAGGCCAATGTTCGAAGGAAGCGCTACGCCATCCAGGGTCTCAAATGGCAAC[A>G]TAATGAAATCACTTTCTGGTGAGTCCAACAGGCAAGCAACCTTTCTCACATCTGGTTATT-3'
Protein context (NP_004986.1, residues 111-131): RYAIQGLKWQ[His121Arg]NEITFCIQNY